The following is an entry in ClinVar:

NM_001171613.2(PREPL):c.1412_1479+41del

Gene: PREPL (prolyl endopeptidase like; minus strand). Cytogenetic location: 2p21.
Variant type: Deletion.
Coding change: c.1412_1479+41del on transcript NM_001171613.2 (MANE Select); coding-DNA position 1412 through 41 bases into the intron after coding-DNA position 1479, 109 bases deleted.
Molecular consequence: splice donor variant.
Genome position (GRCh38, 1-based): chr2:44,326,671-44,326,779, 109 bases deleted. GRCh37 (hg19): chr2:44,553,811-44,553,919.
Other names: c.1412_1479+41del (NM_001171617.1, NM_001374277.1); c.1679_1746+41del (NM_001171603.1, NM_001374275.1, NM_001374276.1 and 2 more transcripts); c.1493_1560+41del (NM_001042385.2); c.1481_1548+41del (NM_001042386.2).
Identifiers: ClinVar variation 1709422 (VCV001709422.2), dbSNP rs2466093446, ClinGen allele CA2580066540.

ClinVar aggregate classification (germline): Likely pathogenic (1 of 4 stars; one submission).

Conditions:
Myasthenic syndrome, congenital, 22 (CMS22). Also called: PREPL DEFICIENCY. Identifiers: MedGen C4479088, MONDO:0044299, OMIM 616224.

Submission:

MGZ Medical Genetics Center
Classification: Likely pathogenic for Myasthenic syndrome, congenital, 22. Last evaluated: 2022-04-22. Review status: criteria provided, single submitter. Criteria: ACMG Guidelines, 2015. Collection method: clinical testing. Allele origin: germline. Affected: yes. Observed: 2 variant alleles.
Comment: ACMG criteria applied: PVS1, PM2_SUP